The following is an entry in ClinVar:

ClinVar aggregate classification (germline): Uncertain significance. Review status: criteria provided, multiple submitters, no conflicts (2 of 4 stars). 4 submissions from 4 submitters: Uncertain significance (4). Last evaluated 2026-05-10.

Conditions:
CYP7A1-related disorder. Also called: CYP7A1-related condition.

Allele frequency attached by ClinVar (database versions not stated): 1000 Genomes Project 0.00020; gnomAD exomes 0.00027 and 0.00071; ExAC 0.00028; 1000 Genomes Project 30x 0.00031; ESP Exome Variant Server 0.00038; TOPMed 0.00040; gnomAD 0.00050 and 0.00051.

Submissions (4):

PreventionGenetics, part of Exact Sciences
Classification: Uncertain significance for CYP7A1-related condition. Last evaluated: 2026-05-10. Review status: criteria provided, single submitter. Criteria: ACMG Guidelines, 2015. Collection method: clinical testing. Allele origin: germline.
Comment: The CYP7A1 c.578C>T variant is predicted to result in the amino acid substitution p.Thr193Ile. To our knowledge, this variant has not been reported in the literature in association with hypercholesterolemia, but was instead associated with lower than average levels of cholesterol in one study (Qayyum et al. 2018. PubMed ID: 29529257). This variant is reported in 0.060% of alleles in individuals of European (Non-Finnish) descent in gnomAD. Although we suspect that this variant may be benign, at this time, the clinical significance of this variant is uncertain due to the absence of conclusive functional and genetic evidence.

Labcorp Genetics (formerly Invitae), Labcorp
Classification: Uncertain significance. Last evaluated: 2025-11-11. Review status: criteria provided, single submitter. Criteria: Invitae Variant Classification Sherloc (09022015). Collection method: clinical testing. Allele origin: germline.
Comment: This sequence change replaces threonine, which is neutral and polar, with isoleucine, which is neutral and non-polar, at codon 193 of the CYP7A1 protein (p.Thr193Ile). This variant is present in population databases (rs72647413, gnomAD 0.06%), and has an allele count higher than expected for a pathogenic variant. This variant has not been reported in the literature in individuals affected with CYP7A1-related conditions. ClinVar contains an entry for this variant (Variation ID: 594460). Invitae Evidence Modeling of protein sequence and biophysical properties (such as structural, functional, and spatial information, amino acid conservation, physicochemical variation, residue mobility, and thermodynamic stability) indicates that this missense variant is not expected to disrupt CYP7A1 protein function with a negative predictive value of 80%. In summary, the available evidence is currently insufficient to determine the role of this variant in disease. Therefore, it has been classified as a Variant of Uncertain Significance.

Eurofins Ntd Llc (ga)
Classification: Uncertain significance. Last evaluated: 2017-10-10. Review status: criteria provided, single submitter. Criteria: EGL Classification Definitions 2015. Collection method: clinical testing. Allele origin: germline. Observed: 1 variant allele, 1 heterozygote.

Breakthrough Genomics
Classification: Uncertain significance. Review status: criteria provided, single submitter. Criteria: ACMG Guidelines, 2015. Collection method: not provided. Allele origin: germline. Inheritance: Autosomal recessive inheritance. Affected: yes.

NM_000780.4(CYP7A1):c.578C>T (p.Thr193Ile)

Gene: CYP7A1 (cytochrome P450 family 7 subfamily A member 1; minus strand). Cytogenetic location: 8q12.1.
Variant type: single nucleotide variant.
Coding change: c.578C>T on transcript NM_000780.4 (MANE Select); coding-DNA position 578, C replaced by T.
Protein change: p.Thr193Ile; replaces threonine 193 with isoleucine.
Molecular consequence: missense variant.
Genome position (GRCh38, 1-based): chr8:58,496,934, G>A on the plus strand (C>T on the coding strand, the complement: CYP7A1 is on the minus strand). VCF-style: chr8-58496934-G-A. GRCh37 (hg19) VCF-style: chr8-59409493-G-A.
Other names: c.578C>T (NM_000780.3); short protein forms T193I.
Identifiers: ClinVar variation 594460 (VCV000594460.13), dbSNP rs72647413, ClinGen allele CA4756776.